The following is an entry in ClinVar:

NM_014991.6(WDFY3):c.9521C>T (p.Ala3174Val)

Gene: WDFY3 (WD repeat and FYVE domain containing 3; minus strand). Cytogenetic location: 4q21.23.
Variant type: single nucleotide variant.
Coding change: c.9521C>T on transcript NM_014991.6 (MANE Select); coding-DNA position 9521, C replaced by T.
Protein change: p.Ala3174Val; replaces alanine 3174 with valine.
Molecular consequence: missense variant.
Genome position (GRCh38, 1-based): chr4:84,688,108, G>A on the plus strand (C>T on the coding strand, the complement: WDFY3 is on the minus strand). VCF-style: chr4-84688108-G-A. GRCh37 (hg19) VCF-style: chr4-85609261-G-A.
Other names: short protein forms A3174V.
Identifiers: ClinVar variation 2636772 (VCV002636772.1), dbSNP rs2530662413, ClinGen allele CA357268344.

ClinVar aggregate classification (germline): Uncertain significance (1 of 4 stars; one submission).

Conditions:
WDFY3-related disorder.

Submission:

PreventionGenetics, part of Exact Sciences
Classification: Uncertain significance for WDFY3-related condition. Last evaluated: 2022-10-20. Review status: criteria provided, single submitter. Criteria: ACMG Guidelines, 2015. Collection method: clinical testing. Allele origin: germline.
Comment: The WDFY3 c.9521C>T variant is predicted to result in the amino acid substitution p.Ala3174Val. To our knowledge, this variant has not been reported in the literature or in a large population database, indicating this variant is rare. At this time, the clinical significance of this variant is uncertain due to the absence of conclusive functional and genetic evidence.